The following is an entry in ClinVar:

NM_018124.4(RFWD3):c.109C>T (p.Gln37Ter)

Gene: RFWD3 (ring finger and WD repeat domain 3; minus strand). Cytogenetic location: 16q23.1.
Variant type: single nucleotide variant.
Coding change: c.109C>T on transcript NM_018124.4 (MANE Select); coding-DNA position 109, C replaced by T.
Protein change: p.Gln37Ter; replaces glutamine 37 with a stop codon.
Molecular consequence: nonsense. On other transcripts: 5 prime UTR variant (4), intron variant (1).
Genome position (GRCh38, 1-based): chr16:74,661,341, G>A on the plus strand (C>T on the coding strand, the complement: RFWD3 is on the minus strand). VCF-style: chr16-74661341-G-A. GRCh37 (hg19) VCF-style: chr16-74695239-G-A.
Other names: c.109C>T, p.Gln37Ter (NM_001370534.1, NM_001370535.1, NM_001370536.1); c.-900C>T (NM_001370537.1); c.-523C>T (NM_001370539.1); c.-777C>T (NM_001370542.1); c.-655C>T (NM_001370543.1); c.-317+3283C>T (NM_001370540.1); short protein forms Q37*.
Identifiers: ClinVar variation 3692368 (VCV003692368.2).
Genomic context (GRCh38, chr16:74,661,341, plus strand): 5'-GAGCTGGCTGGAGGATGGATGGTACCCCCTGGCTGCTGACCACATCAGCAGGAACAGGCT[G>A]GAGGAGGGCTGGTCCCCCTTGGCTGCTGGCCATGCCAGCAGGAGCTGGCTGTTGTTCGGC-3'

ClinVar aggregate classification (germline): Uncertain significance (1 of 4 stars; one submission).

Submission:

Labcorp Genetics (formerly Invitae), Labcorp
Classification: Uncertain significance. Last evaluated: 2024-07-17. Review status: criteria provided, single submitter. Criteria: Invitae Variant Classification Sherloc (09022015). Collection method: clinical testing. Allele origin: germline.
Comment: This sequence change creates a premature translational stop signal (p.Gln37*) in the RFWD3 gene. It is expected to result in an absent or disrupted protein product. However, the current clinical and genetic evidence is not sufficient to establish whether loss-of-function variants in RFWD3 cause disease. This variant is not present in population databases (gnomAD no frequency). This variant has not been reported in the literature in individuals affected with RFWD3-related conditions. In summary, the available evidence is currently insufficient to determine the role of this variant in disease. Therefore, it has been classified as a Variant of Uncertain Significance.